The following is an entry in ClinVar:

NM_001698.3(AUH):c.655+15C>T

Gene: AUH (AU RNA binding methylglutaconyl-CoA hydratase; minus strand). Cytogenetic location: 9q22.31.
Variant type: single nucleotide variant.
Coding change: c.655+15C>T on transcript NM_001698.3 (MANE Select); 15 bases into the intron after coding-DNA position 655, C replaced by T.
Molecular consequence: intron variant.
Genome position (GRCh38, 1-based): chr9:91,296,006, G>A on the plus strand (C>T on the coding strand, the complement: AUH is on the minus strand). VCF-style: chr9-91296006-G-A. GRCh37 (hg19) VCF-style: chr9-94058288-G-A.
Other names: c.568+15C>T (NM_001306190.2); c.328+15C>T (NM_001351433.2, NM_001351431.2, NM_001351432.2).
Identifiers: ClinVar variation 382369 (VCV000382369.6), dbSNP rs781269099, ClinGen allele CA5119788.

ClinVar aggregate classification (germline): Likely benign. Review status: criteria provided, multiple submitters, no conflicts (2 of 4 stars). 2 submissions from 2 submitters: Likely benign (2). Last evaluated 2023-11-06.

Conditions:
3-methylglutaconic aciduria type 1 (MGCA1). Identifiers: Orphanet 67046, MedGen C0342727, MONDO:0009610, OMIM 250950.

Allele frequency attached by ClinVar (database versions not stated): gnomAD 0.00002; gnomAD exomes 0.00005 and 0.00003; ExAC 0.00008; TOPMed 0.00003.
gnomAD v4.1: 44 of 1,613,562 alleles (0.0027%); highest among the groups gnomAD compares: Admixed American, 0.017%; no homozygotes.

Submissions (2):

Labcorp Genetics (formerly Invitae), Labcorp
Classification: Likely benign for 3-methylglutaconic aciduria type 1. Last evaluated: 2023-11-06. Review status: criteria provided, single submitter. Criteria: Invitae Variant Classification Sherloc (09022015). Collection method: clinical testing. Allele origin: germline.

GeneDx
Classification: Likely benign. Last evaluated: 2016-02-03. Review status: criteria provided, single submitter. Criteria: GeneDx Variant Classification (06012015). Collection method: clinical testing. Allele origin: germline. Affected: yes.
Comment: This variant is considered likely benign or benign based on one or more of the following criteria: it is a conservative change, it occurs at a poorly conserved position in the protein, it is predicted to be benign by multiple in silico algorithms, and/or has population frequency not consistent with disease.